The following is an entry in ClinVar:

NM_015311.3(OBSL1):c.1019G>A (p.Arg340His)

Gene: OBSL1 (obscurin like cytoskeletal adaptor 1; minus strand). Cytogenetic location: 2q35.
Variant type: single nucleotide variant.
Coding change: c.1019G>A on transcript NM_015311.3 (MANE Select); coding-DNA position 1019, G replaced by A.
Protein change: p.Arg340His; replaces arginine 340 with histidine.
Molecular consequence: missense variant.
Genome position (GRCh38, 1-based): chr2:219,568,318, C>T on the plus strand (G>A on the coding strand, the complement: OBSL1 is on the minus strand). VCF-style: chr2-219568318-C-T. GRCh37 (hg19) VCF-style: chr2-220433040-C-T.
Other names: c.1019G>A, p.Arg340His (NM_001173408.2, NM_001173431.2); short protein forms R340H.
Identifiers: ClinVar variation 1415766 (VCV001415766.6), dbSNP rs772619686, ClinGen allele CA2131665.

ClinVar aggregate classification (germline): Uncertain significance (1 of 4 stars; one submission).

Allele frequency attached by ClinVar (database versions not stated): gnomAD 0.00001; gnomAD exomes 0.00001; TOPMed 0.00002; ExAC 0.00003.

Submission:

Labcorp Genetics (formerly Invitae), Labcorp
Classification: Uncertain significance. Last evaluated: 2021-11-16. Review status: criteria provided, single submitter. Criteria: Invitae Variant Classification Sherloc (09022015). Collection method: clinical testing. Allele origin: germline.
Comment: This variant is present in population databases (rs772619686, gnomAD 0.02%). In summary, the available evidence is currently insufficient to determine the role of this variant in disease. Therefore, it has been classified as a Variant of Uncertain Significance. Algorithms developed to predict the effect of missense changes on protein structure and function are either unavailable or do not agree on the potential impact of this missense change (SIFT: "Tolerated"; PolyPhen-2: "Probably Damaging"; Align-GVGD: "Class C0"). This variant has not been reported in the literature in individuals affected with OBSL1-related conditions. This sequence change replaces arginine, which is basic and polar, with histidine, which is basic and polar, at codon 340 of the OBSL1 protein (p.Arg340His).